The following is an entry in ClinVar:

NM_018026.4(PACS1):c.2293+3G>A

Gene: PACS1 (phosphofurin acidic cluster sorting protein 1; plus strand). Cytogenetic location: 11q13.2.
Variant type: single nucleotide variant.
Coding change: c.2293+3G>A on transcript NM_018026.4 (MANE Select); 3 bases into the intron after coding-DNA position 2293, G replaced by A.
Molecular consequence: intron variant.
Genome position (GRCh38, 1-based): chr11:66,238,849, G>A. VCF-style: chr11-66238849-G-A. GRCh37 (hg19) VCF-style: chr11-66006320-G-A.
Identifiers: ClinVar variation 2135444 (VCV002135444.4), dbSNP rs2495601757, ClinGen allele CA2580084624.

ClinVar aggregate classification (germline): Uncertain significance (1 of 4 stars; one submission).

Conditions:
Schuurs-Hoeijmakers syndrome. Also called: PACS1-Related Neurodevelopmental Disorder. Identifiers: Orphanet 329224, MedGen C3554343, MONDO:0014006, OMIM 615009.

Submission:

Labcorp Genetics (formerly Invitae), Labcorp
Classification: Uncertain significance for Schuurs-Hoeijmakers syndrome. Last evaluated: 2022-05-08. Review status: criteria provided, single submitter. Criteria: Invitae Variant Classification Sherloc (09022015). Collection method: clinical testing. Allele origin: germline.
Comment: This sequence change falls in intron 20 of the PACS1 gene. It does not directly change the encoded amino acid sequence of the PACS1 protein. It affects a nucleotide within the consensus splice site. In summary, the available evidence is currently insufficient to determine the role of this variant in disease. Therefore, it has been classified as a Variant of Uncertain Significance. Variants that disrupt the consensus splice site are a relatively common cause of aberrant splicing (PMID: 17576681, 9536098). Algorithms developed to predict the effect of sequence changes on RNA splicing suggest that this variant may disrupt the consensus splice site. This variant has not been reported in the literature in individuals affected with PACS1-related conditions. This variant is not present in population databases (gnomAD no frequency).

Literature cited by the submitters: PubMed 17576681; PubMed 9536098.